The following is an entry in ClinVar:

NM_000059.3:c.2829_2830insALU

Gene: BRCA2 (BRCA2 DNA repair associated; plus strand).
Variant type: Insertion.
Identifiers: ClinVar variation 1796525 (VCV001796525.2).

ClinVar aggregate classification (germline): Likely pathogenic (1 of 4 stars; one submission).

Conditions:
Hereditary cancer-predisposing syndrome. Also called: Tumor predisposition; Hereditary Cancer Syndrome; Neoplastic Syndromes, Hereditary; Hereditary neoplastic syndrome. Identifiers: Orphanet 140162, MedGen C0027672, MeSH D009386, MONDO:0015356.

Submission:

Ambry Genetics
Classification: Likely pathogenic for Hereditary cancer-predisposing syndrome. Last evaluated: 2020-08-17. Review status: criteria provided, single submitter. Criteria: Ambry Variant Classification Scheme 2023. Collection method: clinical testing. Allele origin: germline.
Comment: The c.2829_2830insAlu likely pathogenic variant results from an Alu element insertion located in coding exon 10 of the BRCA2 gene. Alu element insertions have been shown to contribute to pathogenicity by either disrupting a coding region or a splice signal (Belancio VP et al. Semin. Cancer Biol. 2010 Aug;20:200-10; Deininger P. Genome Biol. 2011 Dec;12:236). In addition, another Alu insertion element (c.3407_3408insAlu) affecting the same coding exon in BRCA2 has been reported in multiple families with hereditary breast and/or ovarian cancer (Qian Y et al. Cancer Genet 2017 Oct;216-217:159-169). Based on the majority of available evidence to date, this variant is likely to be pathogenic.